The following is an entry in ClinVar:

ClinVar aggregate classification (germline): Likely benign (1 of 4 stars; one submission).

Submission:

GeneDx
Classification: Likely benign. Last evaluated: 2020-09-27. Review status: criteria provided, single submitter. Criteria: GeneDx Variant Classification Process June 2021. Collection method: clinical testing. Allele origin: germline. Affected: yes.
Comment: See Variant Classification Assertion Criteria.

NM_004999.4(MYO6):c.897+177_897+179del

Gene: MYO6 (myosin VI; plus strand). Cytogenetic location: 6q14.1.
Variant type: Microsatellite.
Coding change: c.897+177_897+179del on transcript NM_004999.4 (MANE Select); bases 177 to 179 of the intron after coding-DNA position 897, 3 bases deleted (GTT; older notation c.897+177_897+179delGTT).
Molecular consequence: intron variant.
Genome position (GRCh38, 1-based): chr6:75,845,154-75,845,156, GTT deleted; deleting any 3 consecutive bases within chr6:75,845,149-75,845,156 gives the same sequence; the c. name uses the placement nearest the transcript's 3' end. VCF-style (leftmost placement, unchanged base first): chr6-75845148-CTTG-C. GRCh37 (hg19) VCF-style: chr6-76554865-CTTG-C.
Other names: c.897+177_897+179del (NM_001368865.1, NM_001368866.1, NM_001368137.1 and 2 more transcripts); c.882+177_882+179del (NM_001368138.1).
Identifiers: ClinVar variation 2430682 (VCV002430682.1), dbSNP rs373503669, ClinGen allele CA141048316.